The following is an entry in ClinVar:

ClinVar aggregate classification (germline): Pathogenic/Likely pathogenic. Review status: criteria provided, multiple submitters, no conflicts (2 of 4 stars). 3 submissions from 3 submitters: Pathogenic (2); Likely pathogenic (1). Last evaluated 2026-01-05.

Conditions:
Thrombocytopenia 5 (THC5). Also called: THROMBOCYTOPENIA 5 WITH INCREASED SUSCEPTIBILITY TO MALIGNANCY; THROMBOCYTOPENIA, AUTOSOMAL DOMINANT, 5. Identifiers: MedGen C4015537, MONDO:0014536, OMIM 616216.
Inborn genetic diseases. Identifiers: MedGen C0950123, MeSH D030342.

Submissions (3):

Ambry Genetics
Classification: Pathogenic for Inborn genetic diseases. Last evaluated: 2026-01-05. Review status: criteria provided, single submitter. Criteria: Ambry Variant Classification Scheme 2023. Collection method: clinical testing. Allele origin: germline.
Comment: The c.614delT pathogenic mutation, located in coding exon 5 of the ETV6 gene, results from a deletion of one nucleotide at nucleotide position 614, causing a translational frameshift with a predicted alternate stop codon (p.L205Rfs*4). This variant was reported in individual(s) with myeloid neoplasm (Guidugli L et al. Leukemia, 2017 May;31:1226-1229; Lee JM et al. Br J Haematol, 2024 Oct;205:1581-1589). In multiple assays testing ETV6 function, this variant showed functionally abnormal results (Nishii R et al. Blood, 2021 Jan;137:364-373). This variant is considered to be rare based on population cohorts in the Genome Aggregation Database (gnomAD). This alteration is expected to result in loss of function by premature protein truncation or nonsense-mediated mRNA decay. As such, this alteration is interpreted as a disease-causing mutation.

Institute of Human Genetics, FAU Erlangen, Friedrich-Alexander-Universität Erlangen-Nürnberg
Classification: Likely pathogenic for Thrombocytopenia 5. Last evaluated: 2024-04-09. Review status: criteria provided, single submitter. Criteria: Hauer et al. (Genet Med. 2018). Collection method: clinical testing. Allele origin: germline. Inheritance: Autosomal dominant inheritance. Affected: yes. Observed: 2 variant alleles.
Comment: This variant has been identified by standard clinical testing. Selected ACMG criteria: Likely pathogenic (I):PM2;PVS1

Genetic Services Laboratory, University of Chicago
Classification: Pathogenic for Thrombocytopenia 5. Last evaluated: 2016-03-16. Review status: criteria provided, single submitter. Criteria: ACMG Guidelines, 2015. Collection method: clinical testing. Allele origin: germline. Affected: yes.

Literature cited by the submitters: PubMed 28104920 (cited by Ambry Genetics); PubMed 32693409 (cited by Ambry Genetics); PubMed 38735735 (cited by Ambry Genetics).

NM_001987.5(ETV6):c.614del (p.Leu205fs)

Gene: ETV6 (ETS variant transcription factor 6; plus strand). Cytogenetic location: 12p13.2.
Variant type: Deletion.
Coding change: c.614del on transcript NM_001987.5 (MANE Select); coding-DNA position 614, one base deleted (T; older notation c.614delT).
Protein change: p.Leu205fs; shifts the reading frame from leucine 205.
Molecular consequence: frameshift variant.
Genome position (GRCh38, 1-based): chr12:11,869,574, T deleted. VCF-style (leftmost placement, unchanged base first): chr12-11869573-CT-C. GRCh37 (hg19) VCF-style: chr12-12022507-CT-C.
Other names: c.614delT (NM_001987.4); short protein forms L205fs.
Identifiers: ClinVar variation 435100 (VCV000435100.7), dbSNP rs1555144911, ClinGen allele CA645372907.